The following is an entry in ClinVar:

NM_006432.5(NPC2):c.271G>A (p.Asp91Asn)

Gene: NPC2 (NPC intracellular cholesterol transporter 2; minus strand). Cytogenetic location: 14q24.3.
Variant type: single nucleotide variant.
Coding change: c.271G>A on transcript NM_006432.5 (MANE Select); coding-DNA position 271, G replaced by A.
Protein change: p.Asp91Asn; replaces aspartic acid 91 with asparagine.
Molecular consequence: missense variant.
Genome position (GRCh38, 1-based): chr14:74,484,507, C>T on the plus strand (G>A on the coding strand, the complement: NPC2 is on the minus strand). VCF-style: chr14-74484507-C-T. GRCh37 (hg19) VCF-style: chr14-74951210-C-T.
Other names: c.271G>A, p.Asp91Asn (NM_001363688.1, NM_001375440.1); short protein forms D91N.
Identifiers: ClinVar variation 290576 (VCV000290576.18), dbSNP rs148607507, ClinGen allele CA7268155.

ClinVar aggregate classification (germline): Uncertain significance. Review status: criteria provided, multiple submitters, no conflicts (2 of 4 stars). 8 submissions from 8 submitters: Uncertain significance (7). 1 of the submissions does not count toward it. Last evaluated 2026-09-05.

Conditions:
Inborn genetic diseases. Identifiers: MedGen C0950123, MeSH D030342.
Niemann-Pick disease, type C2 (NPC2). Identifiers: Orphanet 646, MedGen C1843366, MONDO:0011873, OMIM 607625.

Allele frequency attached by ClinVar (database versions not stated): ESP Exome Variant Server 0.00062; TOPMed 0.00027; ExAC 0.00012; gnomAD exomes 0.00018; gnomAD 0.00022 and 0.00023.
gnomAD v4.1: 801 of 1,614,020 alleles (0.05%); highest among the groups gnomAD compares: Non-Finnish European, 0.062%; no homozygotes.

Submissions (8):

GeneDx
Classification: Uncertain significance. Last evaluated: 2026-09-05. Review status: criteria provided, single submitter. Criteria: GeneDx Variant Classification Process June 2021. Collection method: clinical testing. Allele origin: germline.
Comment: Reported as a single heterozygous variant in an individual with multiple sclerosis (PMID: 28337550); In silico analysis supports that this missense variant has a deleterious effect on protein structure/function; This variant is associated with the following publications: (PMID: 25764212, 28337550)

Labcorp Genetics (formerly Invitae), Labcorp
Classification: Uncertain significance for Niemann-Pick disease, type C2. Last evaluated: 2022-11-01. Review status: criteria provided, single submitter. Criteria: Invitae Variant Classification Sherloc (09022015). Collection method: clinical testing. Allele origin: germline.
Comment: This sequence change replaces aspartic acid, which is acidic and polar, with asparagine, which is neutral and polar, at codon 91 of the NPC2 protein (p.Asp91Asn). This variant is present in population databases (rs148607507, gnomAD 0.03%). This variant has not been reported in the literature in individuals affected with NPC2-related conditions. ClinVar contains an entry for this variant (Variation ID: 290576). Algorithms developed to predict the effect of missense changes on protein structure and function output the following: SIFT: "Tolerated"; PolyPhen-2: "Benign"; Align-GVGD: "Class C0". The asparagine amino acid residue is found in multiple mammalian species, which suggests that this missense change does not adversely affect protein function. In summary, the available evidence is currently insufficient to determine the role of this variant in disease. Therefore, it has been classified as a Variant of Uncertain Significance.

Ambry Genetics
Classification: Uncertain significance for Inborn genetic diseases. Last evaluated: 2022-05-10. Review status: criteria provided, single submitter. Criteria: Ambry Variant Classification Scheme 2023. Collection method: clinical testing. Allele origin: germline.

Department of Pathology and Laboratory Medicine, Sinai Health System
Classification: Uncertain significance for Niemann-Pick disease, type C2. Last evaluated: 2022-04-04. Review status: criteria provided, single submitter. Criteria: ACMG Guidelines, 2015. Collection method: research. Allele origin: germline.

Fulgent Genetics
Classification: Uncertain significance for Niemann-Pick disease, type C2. Last evaluated: 2021-08-09. Review status: criteria provided, single submitter. Criteria: ACMG Guidelines, 2015. Collection method: clinical testing. Allele origin: unknown.

Genome-Nilou Lab
Classification: Uncertain significance for Niemann-Pick disease, type C2. Last evaluated: 2021-07-14. Review status: criteria provided, single submitter. Criteria: ACMG Guidelines, 2015. Collection method: clinical testing. Allele origin: germline. Affected: no.

Eurofins Ntd Llc (ga)
Classification: Uncertain significance. Last evaluated: 2016-08-24. Review status: criteria provided, single submitter. Criteria: EGL Classification Definitions 2015. Collection method: clinical testing. Allele origin: germline. Observed: 1 variant allele, 1 heterozygote.

Natera, Inc.
Classification: Uncertain significance for Niemann-Pick disease type C2. Last evaluated: 2020-02-10. Review status: no assertion criteria provided. Collection method: clinical testing. Allele origin: germline. Not counted in ClinVar's aggregate classification.